The following is an entry in ClinVar:

ClinVar aggregate classification (germline): Pathogenic/Likely pathogenic. Review status: criteria provided, multiple submitters, no conflicts (2 of 4 stars). 2 submissions from 2 submitters: Pathogenic (1); Likely pathogenic (1). Last evaluated 2024-06-04.

Conditions:
Charcot-Marie-Tooth disease. Also called: Charcot-Marie-Tooth Hereditary Neuropathy; Charcot-Marie-Tooth Neuropathy. Identifiers: Orphanet 166, MedGen C0007959, MONDO:0015626.
Charcot-Marie-Tooth disease, type I (CMT1). Also called: Charcot-Marie-Tooth, Type 1; Charcot-Marie-Tooth disease type 1. Identifiers: Orphanet 65753, MedGen C0751036, MONDO:0019011.

Submissions (2):

Labcorp Genetics (formerly Invitae), Labcorp
Classification: Pathogenic for Charcot-Marie-Tooth disease, type I. Last evaluated: 2024-06-04. Review status: criteria provided, single submitter. Criteria: Invitae Variant Classification Sherloc (09022015). Collection method: clinical testing. Allele origin: germline.
Comment: This sequence change creates a premature translational stop signal (p.Trp140*) in the PMP22 gene. While this is not anticipated to result in nonsense mediated decay, it is expected to disrupt the last 21 amino acid(s) of the PMP22 protein. This variant is not present in population databases (gnomAD no frequency). This premature translational stop signal has been observed in individual(s) with clinical features of PMP22-related conditions (PMID: 22006697, 32376792). ClinVar contains an entry for this variant (Variation ID: 648604). This variant disrupts a region of the PMP22 protein in which other variant(s) (p.Leu145Argfs*10) have been determined to be pathogenic (PMID: 21149811, 21252112, 23965407). This suggests that this is a clinically significant region of the protein, and that variants that disrupt it are likely to be disease-causing. For these reasons, this variant has been classified as Pathogenic.

Molecular Genetics Laboratory, London Health Sciences Centre
Classification: Likely pathogenic for Charcot-Marie-Tooth disease. Review status: criteria provided, single submitter. Criteria: ACMG Guidelines, 2015. Collection method: clinical testing. Allele origin: germline. Affected: yes.

Literature cited by the submitters: PubMed 22006697 (cited by Labcorp Genetics (formerly Invitae), Labcorp); PubMed 32376792 (cited by Labcorp Genetics (formerly Invitae), Labcorp); PubMed 21149811 (cited by Labcorp Genetics (formerly Invitae), Labcorp); PubMed 21252112 (cited by Labcorp Genetics (formerly Invitae), Labcorp); PubMed 23965407 (cited by Labcorp Genetics (formerly Invitae), Labcorp).

NM_000304.4(PMP22):c.420G>A (p.Trp140Ter)

Gene: PMP22 (peripheral myelin protein 22; minus strand). Cytogenetic location: 17p12.
Variant type: single nucleotide variant.
Coding change: c.420G>A on transcript NM_000304.4 (MANE Select); coding-DNA position 420, G replaced by A.
Protein change: p.Trp140Ter; replaces tryptophan 140 with a stop codon.
Molecular consequence: nonsense. On other transcripts: non-coding transcript variant (2).
Genome position (GRCh38, 1-based): chr17:15,230,980, C>T on the plus strand (G>A on the coding strand, the complement: PMP22 is on the minus strand). VCF-style: chr17-15230980-C-T. GRCh37 (hg19) VCF-style: chr17-15134297-C-T.
Other names: c.420G>A, p.Trp140Ter (NM_001281455.2, NM_001281456.2, NM_153321.3 and 1 more transcripts); short protein forms W140*.
Identifiers: ClinVar variation 648604 (VCV000648604.6), dbSNP rs1597597527, ClinGen allele CA398739576.
Genomic context (GRCh38, chr17:15,230,980, plus strand): 5'-TTCGCGTTTCCGCAAGATCACATAGATGACACCGCTGAGAAGGGCCAGGGGGAAGGCCAC[C>T]CAGGCCAGGATGTAGGCGAAACCGTAGGAGTAATCCGAGTTGAGATGCCACTCCGGGTGC-3'